The following is an entry in ClinVar:

ClinVar aggregate classification (germline): Conflicting classifications of pathogenicity. Review status: criteria provided, conflicting classifications (1 of 4 stars). 3 submissions from 3 submitters: Pathogenic (1); Uncertain significance (2). Last evaluated 2025-08-18.

Conditions:
Early-infantile DEE. Also called: Ohtahara syndrome; Early infantile epileptic encephalopathy; Early infantile epileptic encephalopathy with suppression bursts. Identifiers: Orphanet 1934, MedGen C0393706, MONDO:0800491.

Allele frequency attached by ClinVar (database versions not stated): gnomAD exomes below 0.00001; ExAC 0.00001; gnomAD 0.00001; TOPMed 0.00002.
gnomAD v4.1: 1 of 1,613,708 alleles (0.000062%); highest among the groups gnomAD compares: African/African-American, 0.0013%; no homozygotes.

Submissions (3):

Labcorp Genetics (formerly Invitae), Labcorp
Classification: Pathogenic for Early-infantile DEE. Last evaluated: 2025-08-18. Review status: criteria provided, single submitter. Criteria: Invitae Variant Classification Sherloc (09022015). Collection method: clinical testing. Allele origin: germline.
Comment: This sequence change replaces lysine, which is basic and polar, with arginine, which is basic and polar, at codon 162 of the KCNQ2 protein (p.Lys162Arg). This variant is not present in population databases (gnomAD no frequency). This missense change has been observed in individual(s) with clinical features of benign familial neonatal-infantile seizures and/or epileptic encephalopathy (PMID: 34489640; internal data). In at least one individual the variant was observed to be de novo. ClinVar contains an entry for this variant (Variation ID: 392510). Invitae Evidence Modeling of protein sequence and biophysical properties (such as structural, functional, and spatial information, amino acid conservation, physicochemical variation, residue mobility, and thermodynamic stability) has been performed for this missense variant. However, the output from this modeling did not meet the statistical confidence thresholds required to predict the impact of this variant on KCNQ2 protein function. Algorithms developed to predict the effect of sequence changes on RNA splicing suggest that this variant may disrupt the consensus splice site. For these reasons, this variant has been classified as Pathogenic.

GeneDx
Classification: Uncertain significance. Last evaluated: 2018-07-25. Review status: criteria provided, single submitter. Criteria: GeneDx Variant Classification (06012015). Collection method: clinical testing. Allele origin: germline. Affected: yes.
Comment: A variant of uncertain significance has been identified in the KCNQ2 gene. The c.485 A>G variant has not been published as a pathogenic variant, nor has it been reported as a benign variant to our knowledge. The c.485 A>G variant is not observed at a significant frequency in large population cohorts (Lek et al., 2016; 1000 Genomes Consortium et al., 2015; Exome Variant Server). In-silico splice prediction models predict that c.485 A>G may create a cryptic splice donor site which may supplant the natural splice donor site and lead to abnormal gene splicing. However, in the absence of RNA/functional studies, the actual effect of this sequence change is unknown. If c.485 A>G does not alter splicing, it will result in the K162R missense change. This substitution alters a conserved amino acid position predicted to be within the cytoplasmic loop between the S2 and S3 transmembrane segments. Missense variants in a nearby residue (G159E, G159R) have been reported in the Human Gene Mutation Database in association with KCNQ2-related disorders (Stenson et al., 2014). However, the K162R variant is a conservative amino acid substitution, which is not likely to impact secondary protein structure as these residues share similar properties. In silico analysis is inconsistent in its predictions as to whether or not the variant is damaging to the protein structure/function. Therefore, based on the currently available information, it is unclear whether this variant is a pathogenic variant or a rare benign variant.

Eurofins Ntd Llc (ga)
Classification: Uncertain significance. Last evaluated: 2018-03-22. Review status: criteria provided, single submitter. Criteria: EGL ClinVar v180209 classification definitions. Collection method: clinical testing. Allele origin: germline. Observed: 1 variant allele, 1 heterozygote.

Literature cited by the submitters: PubMed 34489640 (cited by Labcorp Genetics (formerly Invitae), Labcorp).

NM_172107.4(KCNQ2):c.485A>G (p.Lys162Arg)

Gene: KCNQ2 (potassium voltage-gated channel subfamily Q member 2; minus strand). Cytogenetic location: 20q13.33.
Variant type: single nucleotide variant.
Coding change: c.485A>G on transcript NM_172107.4 (MANE Select); coding-DNA position 485, A replaced by G.
Protein change: p.Lys162Arg; replaces lysine 162 with arginine.
Molecular consequence: missense variant.
Genome position (GRCh38, 1-based): chr20:63,445,267, T>C on the plus strand (A>G on the coding strand, the complement: KCNQ2 is on the minus strand). VCF-style: chr20-63445267-T-C. GRCh37 (hg19) VCF-style: chr20-62076620-T-C.
Other names: c.485A>G, p.Lys162Arg (NM_004518.6, NM_172106.3, NM_172108.5 and 1 more transcripts); short protein forms K162R.
Identifiers: ClinVar variation 392510 (VCV000392510.15), dbSNP rs754250122, ClinGen allele CA9958810.